The following is an entry in ClinVar:

NM_016247.4(IMPG2):c.486A>T (p.Arg162Ser)

Gene: IMPG2 (interphotoreceptor matrix proteoglycan 2; minus strand). Cytogenetic location: 3q12.3.
Variant type: single nucleotide variant.
Coding change: c.486A>T on transcript NM_016247.4 (MANE Select); coding-DNA position 486, A replaced by T.
Protein change: p.Arg162Ser; replaces arginine 162 with serine.
Molecular consequence: missense variant.
Genome position (GRCh38, 1-based): chr3:101,304,161, T>A on the plus strand (A>T on the coding strand, the complement: IMPG2 is on the minus strand). VCF-style: chr3-101304161-T-A. GRCh37 (hg19) VCF-style: chr3-101023005-T-A.
Other names: short protein forms R162S.
Identifiers: ClinVar variation 1038990 (VCV001038990.8), dbSNP rs1707165397, ClinGen allele CA353850903.

ClinVar aggregate classification (germline): Uncertain significance (1 of 4 stars; one submission).

Submission:

Labcorp Genetics (formerly Invitae), Labcorp
Classification: Uncertain significance. Last evaluated: 2022-09-27. Review status: criteria provided, single submitter. Criteria: Invitae Variant Classification Sherloc (09022015). Collection method: clinical testing. Allele origin: germline.
Comment: Algorithms developed to predict the effect of missense changes on protein structure and function are either unavailable or do not agree on the potential impact of this missense change (SIFT: "Deleterious"; PolyPhen-2: "Benign"; Align-GVGD: "Class C35"). In summary, the available evidence is currently insufficient to determine the role of this variant in disease. Therefore, it has been classified as a Variant of Uncertain Significance. ClinVar contains an entry for this variant (Variation ID: 1038990). This variant has not been reported in the literature in individuals affected with IMPG2-related conditions. This variant is not present in population databases (gnomAD no frequency). This sequence change replaces arginine, which is basic and polar, with serine, which is neutral and polar, at codon 162 of the IMPG2 protein (p.Arg162Ser).